The following is an entry in ClinVar:

NM_052947.4(ALPK2):c.3356T>A (p.Phe1119Tyr)

Gene: ALPK2 (alpha kinase 2; minus strand). Cytogenetic location: 18q21.31.
Variant type: single nucleotide variant.
Coding change: c.3356T>A on transcript NM_052947.4 (MANE Select); coding-DNA position 3356, T replaced by A.
Protein change: p.Phe1119Tyr; replaces phenylalanine 1119 with tyrosine.
Molecular consequence: missense variant.
Genome position (GRCh38, 1-based): chr18:58,536,831, A>T on the plus strand (T>A on the coding strand, the complement: ALPK2 is on the minus strand). VCF-style: chr18-58536831-A-T. GRCh37 (hg19) VCF-style: chr18-56204063-A-T.
Other names: short protein forms F1119Y.
Identifiers: ClinVar variation 2564064 (VCV002564064.2), dbSNP rs2518876563, ClinGen allele CA402568553.

ClinVar aggregate classification (germline): Uncertain significance (1 of 4 stars; one submission).

Submission:

Ambry Genetics
Classification: Uncertain significance. Last evaluated: 2023-04-28. Review status: criteria provided, single submitter. Criteria: Ambry Variant Classification Scheme 2023. Collection method: clinical testing. Allele origin: germline.
Comment: The p.F1119Y variant (also known as c.3356T>A), located in coding exon 4 of the ALPK2 gene, results from a T to A substitution at nucleotide position 3356. The phenylalanine at codon 1119 is replaced by tyrosine, an amino acid with highly similar properties. This amino acid position is conserved. In addition, this alteration is predicted to be tolerated by in silico analysis. Since supporting evidence is limited at this time, the clinical significance of this alteration remains unclear.